The following is an entry in ClinVar:

NM_000388.4(CASR):c.1115C>A (p.Thr372Asn)

Gene: CASR (calcium sensing receptor; plus strand). Cytogenetic location: 3q21.1.
Variant type: single nucleotide variant.
Coding change: c.1115C>A on transcript NM_000388.4 (MANE Select); coding-DNA position 1115, C replaced by A.
Protein change: p.Thr372Asn; replaces threonine 372 with asparagine.
Molecular consequence: missense variant.
Genome position (GRCh38, 1-based): chr3:122,262,150, C>A. VCF-style: chr3-122262150-C-A. GRCh37 (hg19) VCF-style: chr3-121980997-C-A.
Other names: c.1115C>A, p.Thr372Asn (NM_001178065.2); short protein forms T372N.
Identifiers: ClinVar variation 1512547 (VCV001512547.11), dbSNP rs2074634402, ClinGen allele CA354152621.

ClinVar aggregate classification (germline): Uncertain significance. Review status: criteria provided, multiple submitters, no conflicts (2 of 4 stars). 3 submissions from 3 submitters: Uncertain significance (3). Last evaluated 2024-05-04.

Conditions:
Epilepsy, idiopathic generalized, susceptibility to, 8. Identifiers: MedGen C2752062, MONDO:0013032, OMIM 612899.
Neonatal severe primary hyperparathyroidism. Identifiers: Orphanet 417, MedGen C1832615, MONDO:0009397, OMIM 239200.
Autosomal dominant hypocalcemia 1 (HYPOC1). Also called: HYPOCALCEMIA, FAMILIAL. Identifiers: MedGen C3715128, MONDO:0011013, OMIM 601198.
Familial hypocalciuric hypercalcemia 1. Also called: Hypercalcemia, familial benign type 1. Identifiers: Orphanet 405, Orphanet 93372, MedGen C0342637, MONDO:0007791, OMIM 145980.
Familial hypocalciuric hypercalcemia (FHH). Also called: Familial benign hypercalcemia. Identifiers: Orphanet 405, MedGen C1809471, MONDO:0018458.
Nephrolithiasis/nephrocalcinosis. Identifiers: MedGen CN580796.

Submissions (3):

Fulgent Genetics
Classification: Uncertain significance for Familial hypocalciuric hypercalcemia 1; Neonatal severe primary hyperparathyroidism; Autosomal dominant hypocalcemia 1; Epilepsy, idiopathic generalized, susceptibility to, 8. Last evaluated: 2024-05-04. Review status: criteria provided, single submitter. Criteria: ACMG Guidelines, 2015. Collection method: clinical testing. Allele origin: germline.

Labcorp Genetics (formerly Invitae), Labcorp
Classification: Uncertain significance for Familial hypocalciuric hypercalcemia; Autosomal dominant hypocalcemia 1. Last evaluated: 2022-08-23. Review status: criteria provided, single submitter. Criteria: Invitae Variant Classification Sherloc (09022015). Collection method: clinical testing. Allele origin: germline.
Comment: This variant has not been reported in the literature in individuals affected with CASR-related conditions. In summary, the available evidence is currently insufficient to determine the role of this variant in disease. Therefore, it has been classified as a Variant of Uncertain Significance. Algorithms developed to predict the effect of missense changes on protein structure and function output the following: SIFT: "Deleterious"; PolyPhen-2: "Benign"; Align-GVGD: "Class C0". The asparagine amino acid residue is found in multiple mammalian species, which suggests that this missense change does not adversely affect protein function. ClinVar contains an entry for this variant (Variation ID: 1512547). This variant is not present in population databases (gnomAD no frequency). This sequence change replaces threonine, which is neutral and polar, with asparagine, which is neutral and polar, at codon 372 of the CASR protein (p.Thr372Asn).

Ambry Genetics
Classification: Uncertain significance for Nephrolithiasis/nephrocalcinosis. Last evaluated: 2022-08-07. Review status: criteria provided, single submitter. Criteria: Ambry Variant Classification Scheme 2023. Collection method: clinical testing. Allele origin: germline.
Comment: The p.T372N variant (also known as c.1115C>A), located in coding exon 3 of the CASR gene, results from a C to A substitution at nucleotide position 1115. The threonine at codon 372 is replaced by asparagine, an amino acid with similar properties. This amino acid position is conserved. In addition, this alteration is predicted to be tolerated by in silico analysis. Since supporting evidence is limited at this time, the clinical significance of this alteration remains unclear.